The following is an entry in ClinVar:

ClinVar aggregate classification (germline): Conflicting classifications of pathogenicity. Review status: criteria provided, conflicting classifications (1 of 4 stars). 3 submissions from 3 submitters: Uncertain significance (2); Likely benign (1). Last evaluated 2026-09-21.

Conditions:
TTN-related disorder. Also called: TTN-related condition; TTN-related disease; TTN-related disorders.

Allele frequency attached by ClinVar (database versions not stated): TOPMed below 0.00001; ExAC 0.00002; gnomAD exomes 0.00002 and 0.00004.
gnomAD v4.1: 24 of 1,614,122 alleles (0.0015%); highest among the groups gnomAD compares: Admixed American, 0.015%; no homozygotes.

Submissions (3):

PreventionGenetics, part of Exact Sciences
Classification: Uncertain significance for TTN-related condition. Last evaluated: 2026-09-21. Review status: criteria provided, single submitter. Criteria: ACMG Guidelines, 2015. Collection method: clinical testing. Allele origin: germline.
Comment: The TTN c.9154T>C variant is predicted to result in the amino acid substitution p.Tyr3052His. To our knowledge, this variant has not been reported in the literature. This variant is reported in 0.023% of alleles in individuals of Latino descent in gnomAD. At this time, the clinical significance of this variant is uncertain due to the absence of conclusive functional and genetic evidence.

Revvity Omics, Revvity
Classification: Uncertain significance. Last evaluated: 2019-11-15. Review status: criteria provided, single submitter. Criteria: ACMG Guidelines, 2015. Collection method: clinical testing. Allele origin: germline.

GeneDx
Classification: Likely benign. Last evaluated: 2018-12-11. Review status: criteria provided, single submitter. Criteria: GeneDx Variant Classification Process June 2021. Collection method: clinical testing. Allele origin: germline. Affected: yes.

NM_001267550.2(TTN):c.9154T>C (p.Tyr3052His)

Gene: TTN (titin; minus strand). Cytogenetic location: 2q31.2.
Variant type: single nucleotide variant.
Coding change: c.9154T>C on transcript NM_001267550.2 (MANE Select); coding-DNA position 9154, T replaced by C.
Protein change: p.Tyr3052His; replaces tyrosine 3052 with histidine.
Molecular consequence: missense variant.
Genome position (GRCh38, 1-based): chr2:178,768,682, A>G on the plus strand (T>C on the coding strand, the complement: TTN is on the minus strand). VCF-style: chr2-178768682-A-G. GRCh37 (hg19) VCF-style: chr2-179633409-A-G.
Other names: p.Y3052H:TAT>CAT; c.9154T>C, p.Tyr3052His (NM_001256850.1, NM_133378.4, NM_133379.5); c.9016T>C, p.Tyr3006His (NM_003319.4, NM_133432.3, NM_133437.4); short protein forms Y3052H, Y3006H.
Identifiers: ClinVar variation 203165 (VCV000203165.7), dbSNP rs763833161, ClinGen allele CA311532.
Genomic context (GRCh38, chr2:178,768,682, plus strand): 5'-TAAAGCATGTATGACATTTTTTCTATGGATCTAATATGTATGAAACCATACCTTCCACAT[A>G]AAGTGTGGCTGTTGATGTTGCTTTTCCAGCCACAAAGGTGTAGTCAGCAGCATCCCCAAA-3'
Protein context (NP_001254479.2, residues 3042-3062): AGKATSTATL[Tyr3052His]VEARHIEFRK